The following is an entry in ClinVar:

ClinVar aggregate classification (germline): Uncertain significance (1 of 4 stars; one submission).

Conditions:
POLD1-related polyposis and colorectal cancer syndrome (CRCS10). Also called: Colorectal cancer 10; COLORECTAL CANCER, SUSCEPTIBILITY TO, ON CHROMOSOME 19q; Colorectal cancer, susceptibility to, 10. Identifiers: Orphanet 220460, MedGen C2675481, MONDO:0012953, OMIM 612591.

Submission:

Labcorp Genetics (formerly Invitae), Labcorp
Classification: Uncertain significance for POLD1-related polyposis and colorectal cancer syndrome. Last evaluated: 2024-09-30. Review status: criteria provided, single submitter. Criteria: Invitae Variant Classification Sherloc (09022015). Collection method: clinical testing. Allele origin: germline.
Comment: This sequence change falls in intron 20 of the POLD1 gene. It does not directly change the encoded amino acid sequence of the POLD1 protein. It affects a nucleotide within the consensus splice site. This variant is not present in population databases (gnomAD no frequency). This variant has not been reported in the literature in individuals affected with POLD1-related conditions. ClinVar contains an entry for this variant (Variation ID: 1057225). Variants that disrupt the consensus splice site are a relatively common cause of aberrant splicing (PMID: 17576681, 9536098). Algorithms developed to predict the effect of sequence changes on RNA splicing suggest that this variant is not likely to affect RNA splicing. In summary, the available evidence is currently insufficient to determine the role of this variant in disease. Therefore, it has been classified as a Variant of Uncertain Significance.

Literature cited by the submitters: PubMed 17576681; PubMed 9536098.

NM_002691.4(POLD1):c.2564+4T>C

Gene: POLD1 (DNA polymerase delta 1, catalytic subunit; plus strand). Cytogenetic location: 19q13.33.
Variant type: single nucleotide variant.
Coding change: c.2564+4T>C on transcript NM_002691.4 (MANE Select); 4 bases into the intron after coding-DNA position 2564, T replaced by C.
Molecular consequence: intron variant.
Genome position (GRCh38, 1-based): chr19:50,414,994, T>C. VCF-style: chr19-50414994-T-C. GRCh37 (hg19) VCF-style: chr19-50918251-T-C.
Other names: c.2564+4T>C (NM_001256849.1); c.2642+4T>C (NM_001308632.1).
Identifiers: ClinVar variation 1057225 (VCV001057225.10), dbSNP rs2122468326, ClinGen allele CA2499225575.